The following is an entry in ClinVar:

ClinVar aggregate classification (germline): Uncertain significance. Review status: criteria provided, multiple submitters, no conflicts (2 of 4 stars). 2 submissions from 2 submitters: Uncertain significance (2). Last evaluated 2025-10-29.

Conditions:
Inborn genetic diseases. Identifiers: MedGen C0950123, MeSH D030342.
Microcephaly 18, primary, autosomal dominant (MCPH18). Identifiers: MedGen C4479608, MONDO:0054593, OMIM 617520.

gnomAD v4.1: 2 of 1,614,156 alleles (0.00012%); highest among the groups gnomAD compares: South Asian, 0.0022%; no homozygotes.

Submissions (2):

Ambry Genetics
Classification: Uncertain significance for Inborn genetic diseases. Last evaluated: 2025-10-29. Review status: criteria provided, single submitter. Criteria: Ambry Variant Classification Scheme 2023. Collection method: clinical testing. Allele origin: germline.

Neuberg Centre For Genomic Medicine, NCGM
Classification: Uncertain significance for Microcephaly 18, primary, autosomal dominant. Last evaluated: 2023-06-22. Review status: criteria provided, single submitter. Criteria: ACMG Guidelines, 2015. Collection method: clinical testing. Allele origin: germline. Inheritance: Autosomal dominant inheritance. Affected: yes.
Comment: The observed missense c.115C>A (p.Pro39Thr) variant in WDFY3 gene has not been reported previously as a pathogenic variant nor as a benign variant, to our knowledge. The p.Pro39Thr variant is absent in gnomAD Exomes. This variant has not been submitted to the ClinVar database. Computational evidence (Polyphen - Benign, SIFT - Tolerated and MutationTaster - Disease causing) predicts conflicting evidence on protein structure and function for this variant. The reference amino acid of p.Pro39Thr in WDFY3 is predicted as conserved by GERP++ and PhyloP across 100 vertebrates. The amino acid Pro at position 39 is changed to a Thr changing protein sequence and it might alter its composition and physico-chemical properties. For these reasons, this variant has been classified as a Variant of Uncertain Significance (VUS).

NM_014991.6(WDFY3):c.115C>A (p.Pro39Thr)

Gene: WDFY3 (WD repeat and FYVE domain containing 3; minus strand). Cytogenetic location: 4q21.23.
Variant type: single nucleotide variant.
Coding change: c.115C>A on transcript NM_014991.6 (MANE Select); coding-DNA position 115, C replaced by A.
Protein change: p.Pro39Thr; replaces proline 39 with threonine.
Molecular consequence: missense variant.
Genome position (GRCh38, 1-based): chr4:84,860,477, G>T on the plus strand (C>A on the coding strand, the complement: WDFY3 is on the minus strand). VCF-style: chr4-84860477-G-T. GRCh37 (hg19) VCF-style: chr4-85781630-G-T.
Other names: c.115C>A (NM_014991.4); short protein forms P39T.
Identifiers: ClinVar variation 3377627 (VCV003377627.2).